The following is an entry in ClinVar:

ClinVar aggregate classification (germline): Conflicting classifications of pathogenicity. Review status: criteria provided, conflicting classifications (1 of 4 stars). 6 submissions from 6 submitters: Pathogenic (1); Likely pathogenic (2); Uncertain significance (2). 1 of the submissions does not count toward it. Last evaluated 2026-08-06.

Conditions:
ASL-related disorder. Also called: ASL-related condition.
Argininosuccinate lyase deficiency. Also called: ARGININOSUCCINIC ACID LYASE DEFICIENCY; ASL DEFICIENCY; Argininosuccinic aciduria. Identifiers: Orphanet 23, MedGen C0268547, MONDO:0008815, OMIM 207900, HP:0025630.

Allele frequency attached by ClinVar (database versions not stated): ExAC below 0.00001; gnomAD exomes 0.00001.

Submissions (6):

Myriad Genetics, Inc.
Classification: Uncertain significance for Argininosuccinate lyase deficiency. Last evaluated: 2026-08-06. Review status: criteria provided, single submitter. Criteria: Myriad Autosomal Dominant, Autosomal Recessive and X-Linked Classification Criteria (2023). Collection method: clinical testing. Allele origin: unknown.
Comment: NM_001024943.1(ASL):c.1204G>T(G402W) is a missense variant classified as a variant of uncertain significance in the context of argininosuccinic aciduria. G402W has been observed in a case with relevant disease (PMID: 31990680). Relevant functional assessments of this variant are not available in the literature. G402W has been observed in referenced population frequency databases. In summary, there is insufficient evidence to classify NM_001024943.1(ASL):c.1204G>T(G402W) as pathogenic or benign. Please note: this variant was assessed in the context of healthy population screening.

Labcorp Genetics (formerly Invitae), Labcorp
Classification: Pathogenic for Argininosuccinate lyase deficiency. Last evaluated: 2025-12-06. Review status: criteria provided, single submitter. Criteria: Invitae Variant Classification Sherloc (09022015). Collection method: clinical testing. Allele origin: germline.
Comment: This sequence change replaces glycine, which is neutral and non-polar, with tryptophan, which is neutral and slightly polar, at codon 402 of the ASL protein (p.Gly402Trp). This variant is present in population databases (rs727503812, gnomAD 0.006%). This missense change has been observed in individual(s) with argininosuccinate lyase deficiency (internal data). ClinVar contains an entry for this variant (Variation ID: 166699). Invitae Evidence Modeling of protein sequence and biophysical properties (such as structural, functional, and spatial information, amino acid conservation, physicochemical variation, residue mobility, and thermodynamic stability) indicates that this missense variant is expected to disrupt ASL protein function with a positive predictive value of 95%. For these reasons, this variant has been classified as Pathogenic.

Women's Health and Genetics/Laboratory Corporation of America, LabCorp
Classification: Likely pathogenic for Argininosuccinate lyase deficiency. Last evaluated: 2025-08-29. Review status: criteria provided, single submitter. Criteria: LabCorp Variant Classification Summary - May 2015. Collection method: clinical testing. Allele origin: germline.
Comment: Variant summary: ASL c.1204G>T (p.Gly402Trp) results in a non-conservative amino acid change located in the C-terminal Argininosuccinate lyase domain (IPR029419) of the encoded protein sequence. Algorithms developed to predict the effect of missense changes on protein structure and function all suggest that this variant is likely to be disruptive. The variant allele was found at a frequency of 1.2e-05 in 250734 control chromosomes. c.1204G>T has been observed in individuals affected with Argininosuccinic Aciduria (e.g. Burrage_2020, Internal data). These data indicate that the variant may be associated with disease. To our knowledge, no experimental evidence demonstrating an impact on protein function has been reported. The following publications have been ascertained in the context of this evaluation (PMID: 32778825, 31990680). ClinVar contains an entry for this variant (Variation ID: 166699). Based on the evidence outlined above, the variant was classified as likely pathogenic.

PreventionGenetics, part of Exact Sciences
Classification: Likely pathogenic for ASL-related condition. Last evaluated: 2025-05-03. Review status: criteria provided, single submitter. Criteria: ACMG Guidelines, 2015. Collection method: clinical testing. Allele origin: germline.
Comment: The ASL c.1204G>T variant is predicted to result in the amino acid substitution p.Gly402Trp. This variant has been reported with another ASL variant in an individual with argininosuccinic aciduria (Burrage et al. 2020. PubMed ID: 31990680). It has also been reported in an individual with inborn error of metabolism (Table S5, Adhikari et al. 2020. PubMed ID: 32778825). This variant is reported in 0.0058% of alleles in individuals of Latino descent in gnomAD and in ClinVar this variant has conflicting interpretations ranging from uncertain to pathogenic. This variant is interpreted as likely pathogenic.

Eurofins Ntd Llc (ga)
Classification: Uncertain significance. Last evaluated: 2014-03-05. Review status: criteria provided, single submitter. Criteria: EGL Classification Definitions 2015. Collection method: clinical testing. Allele origin: germline. Observed: 1 variant allele, 1 heterozygote.

Natera, Inc.
Classification: Uncertain significance for Argininosuccinate lyase deficiency. Last evaluated: 2019-10-28. Review status: no assertion criteria provided. Collection method: clinical testing. Allele origin: germline. Not counted in ClinVar's aggregate classification.

Literature cited by the submitters: PubMed 31990680 (cited by Myriad Genetics, Inc. and Women's Health and Genetics/Laboratory Corporation of America, LabCorp); PubMed 32778825 (cited by Women's Health and Genetics/Laboratory Corporation of America, LabCorp).

NM_000048.4(ASL):c.1204G>T (p.Gly402Trp)

Gene: ASL (argininosuccinate lyase; plus strand). Cytogenetic location: 7q11.21.
Variant type: single nucleotide variant.
Coding change: c.1204G>T on transcript NM_000048.4 (MANE Select); coding-DNA position 1204, G replaced by T.
Protein change: p.Gly402Trp; replaces glycine 402 with tryptophan.
Molecular consequence: missense variant.
Genome position (GRCh38, 1-based): chr7:66,092,617, G>T. VCF-style: chr7-66092617-G-T. GRCh37 (hg19) VCF-style: chr7-65557604-G-T.
Other names: c.1204G>T, p.Gly402Trp (NM_001024943.2); c.1144G>T, p.Gly382Trp (NM_001024944.2); c.1126G>T, p.Gly376Trp (NM_001024946.2); c.1204G>T (NM_000048.3); short protein forms G402W, G382W, G376W.
Identifiers: ClinVar variation 166699 (VCV000166699.25), dbSNP rs727503812, ClinGen allele CA233485.